The following is an entry in ClinVar:

ClinVar aggregate classification (germline): Likely pathogenic (1 of 4 stars; one submission).

Submission:

Center for Genomic Medicine, Rigshospitalet, Copenhagen University Hospital
Classification: Likely pathogenic. Last evaluated: 2025-12-29. Review status: criteria provided, single submitter. Criteria: ACMG Guidelines, 2015. Collection method: clinical testing. Allele origin: germline.
Comment: Classification criteria: PM1, PM2_sup, PM5, PP2

Literature cited by the submitters: PubMed 39930093; PubMed 37738164.

NM_001243133.2(NLRP3):c.1695A>C (p.Lys565Asn)

Gene: NLRP3 (NLR family pyrin domain containing 3; plus strand). Cytogenetic location: 1q44.
Variant type: single nucleotide variant.
Coding change: c.1695A>C on transcript NM_001243133.2 (MANE Select); coding-DNA position 1695, A replaced by C.
Protein change: p.Lys565Asn; replaces lysine 565 with asparagine.
Molecular consequence: missense variant.
Genome position (GRCh38, 1-based): chr1:247,425,144, A>C. VCF-style: chr1-247425144-A-C. GRCh37 (hg19) VCF-style: chr1-247588446-A-C.
Other names: c.1695A>C, p.Lys565Asn (NM_001079821.3, NM_001127461.3, NM_001127462.3 and 1 more transcripts); c.1701A>C, p.Lys567Asn (NM_004895.5); short protein forms K565N, K567N.
Identifiers: ClinVar variation 4539502 (VCV004539502.1).